The following is an entry in ClinVar:

ClinVar aggregate classification (germline): Uncertain significance. Review status: criteria provided, multiple submitters, no conflicts (2 of 4 stars). 2 submissions from 2 submitters: Uncertain significance (2). Last evaluated 2026-08-06.

Conditions:
Mitochondrial DNA depletion syndrome 1. Also called: POLIP SYNDROME; POLYNEUROPATHY, OPHTHALMOPLEGIA, LEUKOENCEPHALOPATHY, AND INTESTINAL PSEUDOOBSTRUCTION; Mitochondrial Neurogastrointestinal Encephalopathy Disease; MITOCHONDRIAL NEUROGASTROINTESTINAL ENCEPHALOPATHY SYNDROME, TYMP-RELATED; MNGIE, TYMP-RELATED; Mitochondrial neurogastrointestinal encephalomyopathy syndrome. Identifiers: Orphanet 298, MedGen C4551995, MONDO:0011283, OMIM 603041.

gnomAD v4.1: 8 of 1,529,286 alleles (0.00052%); highest among the groups gnomAD compares: African/African-American, 0.01%; no homozygotes.

Submissions (2):

OLLIN Analises Genomicas, OLLIN
Classification: Uncertain significance for Mitochondrial DNA depletion syndrome 1. Last evaluated: 2026-08-06. Review status: criteria provided, single submitter. Criteria: ACMG Guidelines 2015 PMID 25741868. Collection method: clinical testing. Allele origin: germline.
Comment: This missense variant, located in exon 8 (of 10), has been observed in gnomAD with an allele frequency of 0.00052%, but has not been reported in ClinVar or identified in the literature. In silico analysis is inconclusive regarding the impact of this variant. According to the currently available evidence, this variant has been classified as uncertain significance (PM2_P).

GeneDx
Classification: Uncertain significance. Last evaluated: 2025-05-12. Review status: criteria provided, single submitter. Criteria: GeneDx Variant Classification Process June 2021. Collection method: clinical testing. Allele origin: germline. Affected: yes.
Comment: In silico analysis suggests that this missense variant does not alter protein structure/function; Has not been previously published as pathogenic or benign to our knowledge

NM_001953.5(TYMP):c.1025G>A (p.Arg342His)

Genes: SCO2 (synthesis of cytochrome C oxidase 2; minus strand), TYMP (thymidine phosphorylase; minus strand), LOC130067862 (ATAC-STARR-seq lymphoblastoid silent region 13986; plus strand). Cytogenetic location: 22q13.33.
Variant type: single nucleotide variant.
Coding change: c.1025G>A on transcript NM_001953.5 (MANE Select); coding-DNA position 1025, G replaced by A.
Protein change: p.Arg342His; replaces arginine 342 with histidine.
Molecular consequence: missense variant. On other transcripts: 5 prime UTR variant (1).
Genome position (GRCh38, 1-based): chr22:50,526,380, C>T on the plus strand (G>A on the coding strand, the complement: TYMP is on the minus strand). VCF-style: chr22-50526380-C-T. GRCh37 (hg19) VCF-style: chr22-50964809-C-T.
Other names: c.1025G>A, p.Arg342His (NM_001113755.3, NM_001113756.3, NM_001257988.1 and 1 more transcripts); c.-148G>A (NM_001169109.2); short protein forms R342H.
Identifiers: ClinVar variation 4529884 (VCV004529884.2).
Genomic context (GRCh38, chr22:50,526,380, plus strand): 5'-GAGCACAGGGCTCGGGCCAGACCGGGATCCACGCCCTGCGCCGCCAGCATCCGCTCGAAG[C>T]GGCCAAGGGCCGAGCCGTCGTCCAGCGCCGCGGCCACCCGGGCAGCGCCCTGGGCCTGAG-3'
Protein context (NP_001944.1, residues 332-352): AALDDGSALG[Arg342His]FERMLAAQGV